The following is an entry in ClinVar:

ClinVar aggregate classification (germline): Pathogenic (1 of 4 stars; one submission).

Conditions:
Hereditary cancer-predisposing syndrome. Also called: Tumor predisposition; Hereditary Cancer Syndrome; Neoplastic Syndromes, Hereditary; Hereditary neoplastic syndrome. Identifiers: Orphanet 140162, MedGen C0027672, MeSH D009386, MONDO:0015356.

Submission:

Ambry Genetics
Classification: Pathogenic for Hereditary cancer-predisposing syndrome. Last evaluated: 2018-01-18. Review status: criteria provided, single submitter. Criteria: Ambry Variant Classification Scheme 2023. Collection method: clinical testing. Allele origin: germline.
Comment: The c.2745delC pathogenic mutation, located in coding exon 4 of the MSH6 gene, results from a deletion of one nucleotide at nucleotide position 2745, causing a translational frameshift with a predicted alternate stop codon (p.F916Lfs*29). This alteration is expected to result in loss of function by premature protein truncation or nonsense-mediated mRNA decay. As such, this alteration is interpreted as a disease-causing mutation.

NM_000179.3(MSH6):c.2745del (p.Phe916fs)

Gene: MSH6 (mutS homolog 6; plus strand). Cytogenetic location: 2p16.3.
Variant type: Deletion.
Coding change: c.2745del on transcript NM_000179.3 (MANE Select); coding-DNA position 2745, one base deleted (C; older notation c.2745delC).
Protein change: p.Phe916fs; shifts the reading frame from phenylalanine 916.
Molecular consequence: frameshift variant.
Genome position (GRCh38, 1-based): chr2:47,800,728, C deleted; the last of 2 consecutive C bases (chr2:47,800,727-47,800,728); deleting either gives the same sequence. VCF-style (leftmost placement, unchanged base first): chr2-47800726-GC-G. GRCh37 (hg19) VCF-style: chr2-48027865-GC-G.
Other names: c.2355del, p.Phe786fs (NM_001281492.2); c.1839del, p.Phe614fs (NM_001281493.2, NM_001281494.2); c.2841delC, p.Phe948Leufs (NM_001406795.1, NM_001406802.1); c.2745delC, p.Phe916Leufs (NM_001406796.1, NM_001406798.1, NM_001406800.1 and 2 more transcripts); c.2448delC, p.Phe817Leufs (NM_001406797.1, NM_001406801.1, NM_001406805.1 and 10 more transcripts); c.2220delC, p.Phe741Leufs (NM_001406799.1, NM_001406806.1, NM_001406807.1); c.2667delC, p.Phe890Leufs (NM_001406804.1); c.1839delC, p.Phe614Leufs (NM_001406811.1, NM_001406812.1, NM_001406814.1 and 4 more transcripts); and 3 more; short protein forms F614fs, F786fs, F916fs.
Identifiers: ClinVar variation 1795475 (VCV001795475.2), dbSNP rs2530690785, ClinGen allele CA2580068055.
Genomic context (GRCh38, chr2:47,800,726, plus strand): 5'-ACAAAAAATCCTGAAGGTCGTTTTCCTGATTTGACTGTAGAATTGAACCGATGGGATACA[GC>G]CTTTGACCATGAAAAGGCTCGAAAGACTGGACTTATTACTCCCAAAGCAGGCTTTGACTC-3'